The following is an entry in ClinVar:

ClinVar aggregate classification (germline): Likely benign (1 of 4 stars; one submission).

Allele frequency attached by ClinVar (database versions not stated): gnomAD exomes below 0.00001; TOPMed below 0.00001.
gnomAD v4.1: 5 of 1,614,192 alleles (0.00031%); highest among the groups gnomAD compares: Non-Finnish European, 0.00042%; no homozygotes.

Submission:

CeGaT Center for Human Genetics Tuebingen
Classification: Likely benign. Last evaluated: 2023-12-01. Review status: criteria provided, single submitter. Criteria: CeGaT Center For Human Genetics Tuebingen Variant Classification Criteria Version 2. Collection method: clinical testing. Allele origin: germline. Affected: yes. Observed: 1 variant allele.
Comment: KIDINS220: BP4, BP7

NM_020738.4(KIDINS220):c.4410T>C (p.Ala1470=)

Gene: KIDINS220 (kinase D interacting substrate 220; minus strand). Cytogenetic location: 2p25.1.
Variant type: single nucleotide variant.
Coding change: c.4410T>C on transcript NM_020738.4 (MANE Select); coding-DNA position 4410, T replaced by C.
Protein change: p.Ala1470=; no amino-acid change (alanine 1470 retained).
Molecular consequence: synonymous variant. On other transcripts: intron variant (6).
Genome position (GRCh38, 1-based): chr2:8,731,626, A>G on the plus strand (T>C on the coding strand, the complement: KIDINS220 is on the minus strand). VCF-style: chr2-8731626-A-G. GRCh37 (hg19) VCF-style: chr2-8871756-A-G.
Other names: c.4413T>C, p.Ala1471= (NM_001348729.2); c.4356T>C, p.Ala1452= (NM_001348731.2); c.4353T>C, p.Ala1451= (NM_001348732.2); c.4242T>C, p.Ala1414= (NM_001348734.2); c.4239T>C, p.Ala1413= (NM_001348735.2); c.4113T>C, p.Ala1371= (NM_001348736.2); c.3882+1818T>C (NM_001348741.2, NM_001348742.2, NM_001348743.2); c.3996+1818T>C (NM_001348738.2); and 1 more.
Identifiers: ClinVar variation 3026906 (VCV003026906.22), dbSNP rs904620493, ClinGen allele CA42327813.